The following is an entry in ClinVar:

NM_012471.3(TRPC5):c.1617C>T (p.Tyr539=)

Gene: TRPC5 (transient receptor potential cation channel subfamily C member 5; minus strand). Cytogenetic location: Xq23.
Variant type: single nucleotide variant.
Coding change: c.1617C>T on transcript NM_012471.3 (MANE Select); coding-DNA position 1617, C replaced by T.
Protein change: p.Tyr539=; no amino-acid change (tyrosine 539 retained).
Molecular consequence: synonymous variant.
Genome position (GRCh38, 1-based): chrX:111,847,197, G>A on the plus strand (C>T on the coding strand, the complement: TRPC5 is on the minus strand). VCF-style: chrX-111847197-G-A. GRCh37 (hg19) VCF-style: chrX-111090425-G-A.
Identifiers: ClinVar variation 4988782 (VCV004988782.1).

ClinVar aggregate classification (germline): Likely benign (1 of 4 stars; one submission).

Conditions:
TRPC5-related disorder. Also called: TRPC5-related condition.

gnomAD v4.1: 1 of 1,209,976 alleles (0.000083%); highest among the groups gnomAD compares: African/African-American, 0.0018%; no homozygotes.

Submission:

PreventionGenetics, part of Exact Sciences
Classification: Likely benign for TRPC5-related condition. Last evaluated: 2025-08-13. Review status: criteria provided, single submitter. Criteria: ACMG Guidelines, 2015. Collection method: clinical testing. Allele origin: germline.
Comment: This variant is classified as likely benign based on ACMG/AMP sequence variant interpretation guidelines (Richards et al. 2015 PMID: 25741868, with internal and published modifications).